The following is an entry in ClinVar:

NM_173354.5(SIK1):c.871G>C (p.Ala291Pro)

Gene: SIK1 (salt inducible kinase 1; minus strand). Cytogenetic location: 21q22.3.
Variant type: single nucleotide variant.
Coding change: c.871G>C on transcript NM_173354.5 (MANE Select); coding-DNA position 871, G replaced by C.
Protein change: p.Ala291Pro; replaces alanine 291 with proline.
Molecular consequence: missense variant.
Genome position (GRCh38, 1-based): chr21:43,420,335, C>G on the plus strand (G>C on the coding strand, the complement: SIK1 is on the minus strand). VCF-style: chr21-43420335-C-G. GRCh37 (hg19) VCF-style: chr21-44840215-C-G.
Other names: short protein forms A291P.
Identifiers: ClinVar variation 1491743 (VCV001491743.6), dbSNP rs201889040, ClinGen allele CA321326793.

ClinVar aggregate classification (germline): Uncertain significance (1 of 4 stars; one submission).

Conditions:
Developmental and epileptic encephalopathy, 30 (DEE30). Also called: Epileptic encephalopathy, early infantile, 30. Identifiers: MedGen C4225360, MONDO:0014595, OMIM 616341.

Submission:

Labcorp Genetics (formerly Invitae), Labcorp
Classification: Uncertain significance for Developmental and epileptic encephalopathy, 30. Last evaluated: 2022-09-27. Review status: criteria provided, single submitter. Criteria: Invitae Variant Classification Sherloc (09022015). Collection method: clinical testing. Allele origin: germline.
Comment: This variant is present in population databases (rs201889040, gnomAD 0.003%). This variant has not been reported in the literature in individuals affected with SIK1-related conditions. ClinVar contains an entry for this variant (Variation ID: 1491743). Advanced modeling of protein sequence and biophysical properties (such as structural, functional, and spatial information, amino acid conservation, physicochemical variation, residue mobility, and thermodynamic stability) performed at Invitae indicates that this missense variant is not expected to disrupt SIK1 protein function. In summary, the available evidence is currently insufficient to determine the role of this variant in disease. Therefore, it has been classified as a Variant of Uncertain Significance. This sequence change replaces alanine, which is neutral and non-polar, with proline, which is neutral and non-polar, at codon 291 of the SIK1 protein (p.Ala291Pro).